The following is an entry in ClinVar:

NM_003128.3(SPTBN1):c.3757A>G (p.Ile1253Val)

Gene: SPTBN1 (spectrin beta, non-erythrocytic 1; plus strand). Cytogenetic location: 2p16.2.
Variant type: single nucleotide variant.
Coding change: c.3757A>G on transcript NM_003128.3 (MANE Select); coding-DNA position 3757, A replaced by G.
Protein change: p.Ile1253Val; replaces isoleucine 1253 with valine.
Molecular consequence: missense variant.
Genome position (GRCh38, 1-based): chr2:54,632,758, A>G. VCF-style: chr2-54632758-A-G. GRCh37 (hg19) VCF-style: chr2-54859895-A-G.
Other names: c.3718A>G, p.Ile1240Val (NM_178313.3); short protein forms I1240V, I1253V.
Identifiers: ClinVar variation 1043698 (VCV001043698.10), dbSNP rs1262724860, ClinGen allele CA346894273.

ClinVar aggregate classification (germline): Uncertain significance (1 of 4 stars; one submission).

Allele frequency attached by ClinVar (database versions not stated): gnomAD 0.00003 and 0.00004; TOPMed 0.00003.
gnomAD v4.1: 12 of 1,614,036 alleles (0.00074%); highest among the groups gnomAD compares: Middle Eastern, 0.016%; no homozygotes.

Submission:

Labcorp Genetics (formerly Invitae), Labcorp
Classification: Uncertain significance. Last evaluated: 2020-07-10. Review status: criteria provided, single submitter. Criteria: Invitae Variant Classification Sherloc (09022015). Collection method: clinical testing. Allele origin: germline.
Comment: In summary, the available evidence is currently insufficient to determine the role of this variant in disease. Therefore, it has been classified as a Variant of Uncertain Significance. Algorithms developed to predict the effect of missense changes on protein structure and function (SIFT, PolyPhen-2, Align-GVGD) all suggest that this variant is likely to be tolerated, but these predictions have not been confirmed by published functional studies and their clinical significance is uncertain. This variant has not been reported in the literature in individuals with SPTBN1-related conditions. This variant is not present in population databases (ExAC no frequency). This sequence change replaces isoleucine with valine at codon 1253 of the SPTBN1 protein (p.Ile1253Val). The isoleucine residue is highly conserved and there is a small physicochemical difference between isoleucine and valine.